The following is an entry in ClinVar:

ClinVar aggregate classification (germline): Uncertain significance. Review status: criteria provided, multiple submitters, no conflicts (2 of 4 stars). 2 submissions from 2 submitters: Uncertain significance (2). Last evaluated 2025-06-07.

Conditions:
Mosaic variegated aneuploidy syndrome 1 (MVA1). Also called: Warburton-Anyane-Yeboa syndrome. Identifiers: Orphanet 1052, MedGen C1850343, MONDO:0009759, OMIM 257300.
Inborn genetic diseases. Identifiers: MedGen C0950123, MeSH D030342.

gnomAD v4.1: 6 of 1,613,980 alleles (0.00037%); highest among the groups gnomAD compares: Non-Finnish European, 0.00051%; no homozygotes.

Submissions (2):

Ambry Genetics
Classification: Uncertain significance for Inborn genetic diseases. Last evaluated: 2025-06-07. Review status: criteria provided, single submitter. Criteria: Ambry Variant Classification Scheme 2023. Collection method: clinical testing. Allele origin: germline.

Labcorp Genetics (formerly Invitae), Labcorp
Classification: Uncertain significance for Mosaic variegated aneuploidy syndrome 1. Last evaluated: 2025-05-07. Review status: criteria provided, single submitter. Criteria: Invitae Variant Classification Sherloc (09022015). Collection method: clinical testing. Allele origin: germline.
Comment: This sequence change replaces leucine, which is neutral and non-polar, with phenylalanine, which is neutral and non-polar, at codon 249 of the BUB1B protein (p.Leu249Phe). This variant is not present in population databases (gnomAD no frequency). This variant has not been reported in the literature in individuals affected with BUB1B-related conditions. ClinVar contains an entry for this variant (Variation ID: 3262224). An algorithm developed to predict the effect of missense changes on protein structure and function (PolyPhen-2) suggests that this variant is likely to be disruptive. In summary, the available evidence is currently insufficient to determine the role of this variant in disease. Therefore, it has been classified as a Variant of Uncertain Significance.

NM_001211.6(BUB1B):c.745C>T (p.Leu249Phe)

Gene: BUB1B (BUB1 mitotic checkpoint serine/threonine kinase B; plus strand). Cytogenetic location: 15q15.1.
Variant type: single nucleotide variant.
Coding change: c.745C>T on transcript NM_001211.6 (MANE Select); coding-DNA position 745, C replaced by T.
Protein change: p.Leu249Phe; replaces leucine 249 with phenylalanine.
Molecular consequence: missense variant.
Genome position (GRCh38, 1-based): chr15:40,183,877, C>T. VCF-style: chr15-40183877-C-T. GRCh37 (hg19) VCF-style: chr15-40476078-C-T.
Other names: short protein forms L249F.
Identifiers: ClinVar variation 3262224 (VCV003262224.3).